The following is an entry in ClinVar:

NM_007194.4(CHEK2):c.1364T>C (p.Val455Ala)

Gene: CHEK2 (checkpoint kinase 2; minus strand). Cytogenetic location: 22q12.1.
Variant type: single nucleotide variant.
Coding change: c.1364T>C on transcript NM_007194.4 (MANE Select); coding-DNA position 1364, T replaced by C.
Protein change: p.Val455Ala; replaces valine 455 with alanine.
Molecular consequence: missense variant.
Genome position (GRCh38, 1-based): chr22:28,695,138, A>G on the plus strand (T>C on the coding strand, the complement: CHEK2 is on the minus strand). VCF-style: chr22-28695138-A-G. GRCh37 (hg19) VCF-style: chr22-29091126-A-G.
Other names: c.1493T>C, p.Val498Ala (NM_001005735.3); c.701T>C, p.Val234Ala (NM_001257387.3); c.1163T>C, p.Val388Ala (NM_001349956.3); c.1277T>C, p.Val426Ala (NM_145862.3); short protein forms V388A, V426A, V455A, V498A, V234A.
Identifiers: ClinVar variation 3492151 (VCV003492151.1).

ClinVar aggregate classification (germline): Uncertain significance (1 of 4 stars; one submission).

Conditions:
Hereditary cancer-predisposing syndrome. Also called: Tumor predisposition; Neoplastic Syndromes, Hereditary; Hereditary Cancer Syndrome; Hereditary neoplastic syndrome. Identifiers: Orphanet 140162, MedGen C0027672, MeSH D009386, MONDO:0015356.

Submission:

Ambry Genetics
Classification: Uncertain significance for Hereditary cancer-predisposing syndrome. Last evaluated: 2024-09-08. Review status: criteria provided, single submitter. Criteria: Ambry Variant Classification Scheme 2023. Collection method: clinical testing. Allele origin: germline.
Comment: The p.V455A variant (also known as c.1364T>C), located in coding exon 11 of the CHEK2 gene, results from a T to C substitution at nucleotide position 1364. The valine at codon 455 is replaced by alanine, an amino acid with similar properties. This amino acid position is conserved. In addition, the in silico prediction for this alteration is inconclusive. Based on the available evidence, the clinical significance of this variant remains unclear.